The following is an entry in ClinVar:

NM_000136.3(FANCC):c.1329+246del

Genes: AOPEP (aminopeptidase O (putative); plus strand), FANCC (FA complementation group C; minus strand). Cytogenetic location: 9q22.32.
Variant type: Deletion.
Coding change: c.1329+246del on transcript NM_000136.3 (MANE Select); 246 bases into the intron after coding-DNA position 1329, one base deleted (C; older notation c.1329+246delC).
Molecular consequence: intron variant. On other transcripts: frameshift variant (1).
Genome position (GRCh38, 1-based): chr9:95,111,217, G deleted on the plus strand (C on the coding strand, the reverse complement: FANCC is on the minus strand); the first of 3 consecutive G bases (chr9:95,111,217-95,111,219); deleting any one gives the same sequence. VCF-style (leftmost placement, unchanged base first): chr9-95111216-AG-A. GRCh37 (hg19) VCF-style: chr9-97873498-AG-A.
Other names: c.1458del, p.Phe487fs (NM_001243744.2); c.1329+246del (NM_001243743.2); c.1329+246delC (NM_000136.2); short protein forms F487fs.
Identifiers: ClinVar variation 553160 (VCV000553160.3), dbSNP rs542091036, ClinGen allele CA5137357.

ClinVar aggregate classification (germline): Likely benign. Review status: no assertion criteria provided (0 of 4 stars). 2 submissions from 2 submitters: Likely benign (2). Last evaluated 2017-07-31.

Conditions:
Fanconi anemia complementation group C (FANCC). Also called: FANCONI PANCYTOPENIA, TYPE 3; FACC; Fanconi anemia, group C; FANCC-Related Fanconi Anemia. Identifiers: Orphanet 84, MedGen C3468041, MONDO:0009213, OMIM 227645.

Submissions (2):

Counsyl
Classification: Likely benign for Fanconi anemia complementation group C. Last evaluated: 2017-07-31. Review status: no assertion criteria provided. Collection method: clinical testing. Allele origin: unknown.

Department of Pathology and Laboratory Medicine, Sinai Health System
Classification: Likely benign. Review status: no assertion criteria provided. Collection method: clinical testing. Allele origin: unknown. Affected: yes. Study: The Canadian Open Genetics Repository (COGR).
Comment: The FANCC p.Phe487Serfs*61 variant was not identified in the literature nor was it identified in the Cosmic or LOVD 3.0 databases. The variant was identified in dbSNP (ID: rs542091036) and ClinVar (reported likely benign by Counsyl for Fanconi anemia, complementation group C). The variant was identified in control databases in 2 of 135460 chromosomes at a frequency of 0.000015 (Genome Aggregation Database Feb 27, 2017). The variant was observed in the following population: Latino in 2 of 24526 chromosomes (freq: 0.000082), while the variant was not observed in the African, Ashkenazi Jewish, East Asian, European (Finnish), European (non-Finnish), Other, and South Asian populations. The c.1458delC variant is predicted to cause a frameshift, which alters the protein's amino acid sequence beginning at codon 487 and leads to a premature stop codon 61 amino acids downstream. This alteration is then predicted to result in a truncated or absent protein and loss of function. However, on the NM_000136.2 transcript this variant in 246 basepairs into the intron and therefore is not predicted to have an effect on the protein. In summary, based on the above information the clinical significance of this variant cannot be determined with certainty at this time although we would lean towards a more benign role for this variant. This variant is classified as likely benign.